The following is an entry in ClinVar:

ClinVar aggregate classification (germline): Benign/Likely benign. Review status: criteria provided, multiple submitters, no conflicts (2 of 4 stars). 3 submissions from 3 submitters: Benign (1); Likely benign (2). Last evaluated 2025-01-21.

Conditions:
Hereditary cancer-predisposing syndrome. Also called: Neoplastic Syndromes, Hereditary; Tumor predisposition; Hereditary Cancer Syndrome; Hereditary neoplastic syndrome. Identifiers: Orphanet 140162, MedGen C0027672, MeSH D009386, MONDO:0015356.
Familial cancer of breast. Also called: BREAST CANCER, FAMILIAL; hereditary breast carcinoma; Hereditary breast cancer. Identifiers: Orphanet 227535, MedGen C0346153, MONDO:0016419, OMIM 114480. Disease mechanism: loss of function.

Submissions (3):

Myriad Genetics, Inc.
Classification: Benign for Familial cancer of breast. Last evaluated: 2025-01-21. Review status: criteria provided, single submitter. Criteria: Myriad Autosomal Dominant, Autosomal Recessive and X-Linked Classification Criteria (2023). Collection method: clinical testing. Allele origin: unknown.
Comment: This variant is considered benign. This variant is a silent/synonymous amino acid change and it is not expected to impact splicing.

Ambry Genetics
Classification: Likely benign for Hereditary cancer-predisposing syndrome. Last evaluated: 2025-01-06. Review status: criteria provided, single submitter. Criteria: Ambry Variant Classification Scheme 2023. Collection method: clinical testing. Allele origin: germline.

Color Diagnostics, LLC DBA Color Health
Classification: Likely benign for Hereditary cancer-predisposing syndrome. Last evaluated: 2019-04-15. Review status: criteria provided, single submitter. Criteria: ACMG Guidelines, 2015. Collection method: clinical testing. Allele origin: germline.

NM_024675.4(PALB2):c.3006A>G (p.Glu1002=)

Gene: PALB2 (partner and localizer of BRCA2; minus strand). Cytogenetic location: 16p12.2.
Variant type: single nucleotide variant.
Coding change: c.3006A>G on transcript NM_024675.4 (MANE Select); coding-DNA position 3006, A replaced by G.
Protein change: p.Glu1002=; no amino-acid change (glutamic acid 1002 retained).
Molecular consequence: synonymous variant.
Genome position (GRCh38, 1-based): chr16:23,621,469, T>C on the plus strand (A>G on the coding strand, the complement: PALB2 is on the minus strand). VCF-style: chr16-23621469-T-C. GRCh37 (hg19) VCF-style: chr16-23632790-T-C.
Identifiers: ClinVar variation 923700 (VCV000923700.4), dbSNP rs1966773103, ClinGen allele CA494180197.
Genomic context (GRCh38, chr16:23,621,469, plus strand): 5'-CATCCCTTGGACCTCAGCAAAAGTTAGTATAGTCTCCTCAGGGGGCATCAAAAATTGGTT[T>C]TCTTTGCCTCTGTAATTAAAACAGTATGAAAAGTCAGTACTTTGCACTAAAGCAGTCTCT-3'
Protein context (NP_078951.2, residues 992-1012): MTFAEDGGGK[Glu1002=]NQFLMPPEET